The following is an entry in ClinVar:

NM_000400.4(ERCC2):c.1739C>T (p.Ala580Val)

Gene: ERCC2 (ERCC excision repair 2, TFIIH core complex helicase subunit; minus strand). Cytogenetic location: 19q13.32.
Variant type: single nucleotide variant.
Coding change: c.1739C>T on transcript NM_000400.4 (MANE Select); coding-DNA position 1739, C replaced by T.
Protein change: p.Ala580Val; replaces alanine 580 with valine.
Molecular consequence: missense variant.
Genome position (GRCh38, 1-based): chr19:45,353,261, G>A on the plus strand (C>T on the coding strand, the complement: ERCC2 is on the minus strand). VCF-style: chr19-45353261-G-A. GRCh37 (hg19) VCF-style: chr19-45856519-G-A.
Other names: short protein forms A580V.
Identifiers: ClinVar variation 1779142 (VCV001779142.3), dbSNP rs2514002582, ClinGen allele CA406364355.

ClinVar aggregate classification (germline): Uncertain significance (1 of 4 stars; one submission).

Conditions:
Inborn genetic diseases. Identifiers: MedGen C0950123, MeSH D030342.

Submission:

Ambry Genetics
Classification: Uncertain significance for Inborn genetic diseases. Last evaluated: 2024-09-13. Review status: criteria provided, single submitter. Criteria: Ambry Variant Classification Scheme 2023. Collection method: clinical testing. Allele origin: germline.
Comment: The p.A580V variant (also known as c.1739C>T), located in coding exon 18 of the ERCC2 gene, results from a C to T substitution at nucleotide position 1739. The alanine at codon 580 is replaced by valine, an amino acid with similar properties. This amino acid position is conserved. In addition, this alteration is predicted to be deleterious by in silico analysis. Since supporting evidence is limited at this time, the clinical significance of this alteration remains unclear.